The following is an entry in ClinVar:

ClinVar aggregate classification (germline): Uncertain significance. Review status: criteria provided, multiple submitters, no conflicts (2 of 4 stars). 2 submissions from 2 submitters: Uncertain significance (2). Last evaluated 2024-12-09.

Conditions:
Lymphoproliferative syndrome 2 (LPFS2). Also called: CD27 DEFICIENCY; Combined immunodeficiency due to CD27 deficiency. Identifiers: Orphanet 238505, MedGen C3554540, MONDO:0014054, OMIM 615122.

Allele frequency attached by ClinVar (database versions not stated): gnomAD exomes 0.00002; ExAC 0.00004; TOPMed 0.00012; gnomAD 0.00013; ESP Exome Variant Server 0.00015; 1000 Genomes Project 30x 0.00031; 1000 Genomes Project 0.00040.

Submissions (2):

GeneDx
Classification: Uncertain significance. Last evaluated: 2024-12-09. Review status: criteria provided, single submitter. Criteria: GeneDx Variant Classification Process June 2021. Collection method: clinical testing. Allele origin: germline. Affected: yes.
Comment: In silico analysis supports that this missense variant has a deleterious effect on protein structure/function; Has not been previously published as pathogenic or benign to our knowledge

Labcorp Genetics (formerly Invitae), Labcorp
Classification: Uncertain significance for Lymphoproliferative syndrome 2. Last evaluated: 2022-07-26. Review status: criteria provided, single submitter. Criteria: Invitae Variant Classification Sherloc (09022015). Collection method: clinical testing. Allele origin: germline.
Comment: This sequence change replaces methionine, which is neutral and non-polar, with threonine, which is neutral and polar, at codon 199 of the CD27 protein (p.Met199Thr). The frequency data for this variant in the population databases is considered unreliable, as metrics indicate poor data quality at this position in the gnomAD database. This variant has not been reported in the literature in individuals affected with CD27-related conditions. Algorithms developed to predict the effect of missense changes on protein structure and function output the following: SIFT: "Deleterious"; PolyPhen-2: "Benign"; Align-GVGD: "Class C65". The threonine amino acid residue is found in multiple mammalian species, which suggests that this missense change does not adversely affect protein function. In summary, the available evidence is currently insufficient to determine the role of this variant in disease. Therefore, it has been classified as a Variant of Uncertain Significance.

NM_001242.5(CD27):c.596T>C (p.Met199Thr)

Genes: CD27 (CD27 molecule; plus strand), CD27-AS1 (CD27 antisense RNA 1; minus strand), LOC130007242 (ATAC-STARR-seq lymphoblastoid active region 5859; plus strand). Cytogenetic location: 12p13.31.
Variant type: single nucleotide variant.
Coding change: c.596T>C on transcript NM_001242.5 (MANE Select); coding-DNA position 596, T replaced by C.
Protein change: p.Met199Thr; replaces methionine 199 with threonine.
Molecular consequence: missense variant. On other transcripts: non-coding transcript variant (1).
Genome position (GRCh38, 1-based): chr12:6,450,952, T>C. VCF-style: chr12-6450952-T-C. GRCh37 (hg19) VCF-style: chr12-6560118-T-C.
Other names: c.689T>C, p.Met230Thr (NM_001413263.1); c.569T>C, p.Met190Thr (NM_001413264.1); c.416T>C, p.Met139Thr (NM_001413265.1); c.146T>C, p.Met49Thr (NM_001413266.1, NM_001413267.1, NM_001413268.1); short protein forms M139T, M199T, M49T, M190T, M230T.
Identifiers: ClinVar variation 2165562 (VCV002165562.2), dbSNP rs139318215, ClinGen allele CA6407040.
Genomic context (GRCh38, chr12:6,450,952, plus strand): 5'-CAGCCCAAAGATCCCTGTGCAGCTCCGATTTTATTCGCATCCTTGTGATCTTCTCTGGAA[T>C]GTTCCTTGTTTTCACCCTGGCCGGGGCCCTGTTCCTCCATCAACGAAGGAAATATAGATC-3'
Protein context (NP_001233.2, residues 189-209): FIRILVIFSG[Met199Thr]FLVFTLAGAL